The following is an entry in ClinVar:

NM_001256789.3(CACNA1F):c.5311G>A (p.Asp1771Asn)

Gene: CACNA1F (calcium voltage-gated channel subunit alpha1 F; minus strand). Cytogenetic location: Xp11.23.
Variant type: single nucleotide variant.
Coding change: c.5311G>A on transcript NM_001256789.3 (MANE Select); coding-DNA position 5311, G replaced by A.
Protein change: p.Asp1771Asn; replaces aspartic acid 1771 with asparagine.
Molecular consequence: missense variant.
Genome position (GRCh38, 1-based): chrX:49,206,776, C>T on the plus strand (G>A on the coding strand, the complement: CACNA1F is on the minus strand). VCF-style: chrX-49206776-C-T. GRCh37 (hg19) VCF-style: chrX-49063237-C-T.
Other names: c.5149G>A, p.Asp1717Asn (NM_001256790.3); c.5344G>A, p.Asp1782Asn (NM_005183.4); c.5344G>A (NM_005183.2); short protein forms D1782N, D1717N, D1771N.
Identifiers: ClinVar variation 1350550 (VCV001350550.10), dbSNP rs1557105003, ClinGen allele CA412958320.
Genomic context (GRCh38, chrX:49,206,776, plus strand): 5'-CCCTGCTCTCACCTGCAGGTGTGGGGGGCAGCAGACGGCGGCGTGGTACCAGGTGCCCAT[C>T]CATGTATCTCTGAGCTCTGTGAGGTGGCAAAAGGACTGAGCACGGGGGAGTCCCTGCCTG-3'
Protein context (NP_001243718.1, residues 1761-1781): LPPHRAQRYM[Asp1771Asn]GHLVPRRRLL

ClinVar aggregate classification (germline): Uncertain significance. Review status: criteria provided, multiple submitters, no conflicts (2 of 4 stars). 3 submissions from 3 submitters: Uncertain significance (3). Last evaluated 2024-11-15.

Conditions:
Inborn genetic diseases. Identifiers: MedGen C0950123, MeSH D030342.

Allele frequency attached by ClinVar (database versions not stated): gnomAD exomes 0.00001; gnomAD 0.00002.
gnomAD v4.1: 13 of 1,206,633 alleles (0.0011%); highest among the groups gnomAD compares: Middle Eastern, 0.046%; no homozygotes.

Submissions (3):

Ambry Genetics
Classification: Uncertain significance for Inborn genetic diseases. Last evaluated: 2024-11-15. Review status: criteria provided, single submitter. Criteria: Ambry Variant Classification Scheme 2023. Collection method: clinical testing. Allele origin: germline.

Labcorp Genetics (formerly Invitae), Labcorp
Classification: Uncertain significance. Last evaluated: 2024-08-23. Review status: criteria provided, single submitter. Criteria: Invitae Variant Classification Sherloc (09022015). Collection method: clinical testing. Allele origin: germline.
Comment: This sequence change replaces aspartic acid, which is acidic and polar, with asparagine, which is neutral and polar, at codon 1782 of the CACNA1F protein (p.Asp1782Asn). The frequency data for this variant in the population databases is considered unreliable, as metrics indicate poor data quality at this position in the gnomAD database. This variant has not been reported in the literature in individuals affected with CACNA1F-related conditions. ClinVar contains an entry for this variant (Variation ID: 1350550). An algorithm developed to predict the effect of missense changes on protein structure and function outputs the following: PolyPhen-2: "Benign". The asparagine amino acid residue is found in multiple mammalian species, which suggests that this missense change does not adversely affect protein function. In summary, the available evidence is currently insufficient to determine the role of this variant in disease. Therefore, it has been classified as a Variant of Uncertain Significance.

Blueprint Genetics
Classification: Uncertain significance. Last evaluated: 2021-11-18. Review status: criteria provided, single submitter. Criteria: ACMG Guidelines, 2015. Collection method: clinical testing. Allele origin: germline.